The following is an entry in ClinVar:

ClinVar aggregate classification (germline): Pathogenic (1 of 4 stars; one submission).

Conditions:
Primary ciliary dyskinesia. Also called: Ciliary dyskinesia. Identifiers: Orphanet 244, MedGen C0008780, MONDO:0016575, HP:0012265.

Submission:

Ambry Genetics
Classification: Pathogenic for Primary ciliary dyskinesia. Last evaluated: 2026-04-24. Review status: criteria provided, single submitter. Criteria: Ambry Variant Classification Scheme 2023. Collection method: clinical testing. Allele origin: germline.
Comment: The c.1340delC variant, located in coding exon 8 of the DNAAF1 gene, results from a deletion of one nucleotide at nucleotide position 1340, causing a translational frameshift with a predicted alternate stop codon (p.P447Hfs*33). This variant has been identified in the homozygous state and/or in conjunction with other DNAAF1 variant(s) in individual(s) with features consistent with primary ciliary dyskinesia (Ambry internal). This variant is considered to be rare based on population cohorts in the Genome Aggregation Database (gnomAD). This alteration is expected to result in loss of function by premature protein truncation or nonsense-mediated mRNA decay. As such, this alteration is interpreted as a disease-causing mutation.

NM_178452.6(DNAAF1):c.1340del (p.Pro447fs)

Gene: DNAAF1 (dynein axonemal assembly factor 1; plus strand). Cytogenetic location: 16q24.1.
Variant type: Deletion.
Coding change: c.1340del on transcript NM_178452.6 (MANE Select); coding-DNA position 1340, one base deleted (C; older notation c.1340delC).
Protein change: p.Pro447fs; shifts the reading frame from proline 447.
Molecular consequence: frameshift variant.
Genome position (GRCh38, 1-based): chr16:84,170,168, C deleted; the last of 4 consecutive C bases (chr16:84,170,165-84,170,168); deleting any one gives the same sequence. VCF-style (leftmost placement, unchanged base first): chr16-84170164-GC-G. GRCh37 (hg19) VCF-style: chr16-84203770-GC-G.
Other names: c.632del, p.Pro211fs (NM_001318756.1); short protein forms P211fs, P447fs.
Identifiers: ClinVar variation 4869897 (VCV004869897.1).